The following is an entry in ClinVar:

ClinVar aggregate classification (germline): Uncertain significance (1 of 4 stars; one submission).

Conditions:
Inflammatory bowel disease 25. Also called: Inflammatory bowel disease 25, early onset, autosomal recessive. Identifiers: Orphanet 238569, MedGen C2675508, MONDO:0012941, OMIM 612567.

Allele frequency attached by ClinVar (database versions not stated): gnomAD exomes 0.00002 and 0.00004; gnomAD 0.00003; TOPMed 0.00003; ESP Exome Variant Server 0.00008.
gnomAD v4.1: 32 of 1,613,620 alleles (0.002%); highest among the groups gnomAD compares: Non-Finnish European, 0.0024%; no homozygotes.

Submission:

Labcorp Genetics (formerly Invitae), Labcorp
Classification: Uncertain significance for Inflammatory bowel disease 25. Last evaluated: 2025-12-02. Review status: criteria provided, single submitter. Criteria: Invitae Variant Classification Sherloc (09022015). Collection method: clinical testing. Allele origin: germline.
Comment: This sequence change replaces histidine, which is basic and polar, with glutamine, which is neutral and polar, at codon 265 of the IL10RB protein (p.His265Gln). This variant is present in population databases (rs373204116, gnomAD 0.005%). This missense change has been observed in individual(s) with clinical features of IL-10Rβ deficiency (internal data). In at least one individual the data is consistent with being in trans (on the opposite chromosome) from a pathogenic variant. ClinVar contains an entry for this variant (Variation ID: 651724). Invitae Evidence Modeling of protein sequence and biophysical properties (such as structural, functional, and spatial information, amino acid conservation, physicochemical variation, residue mobility, and thermodynamic stability) has been performed for this missense variant. However, the output from this modeling did not meet the statistical confidence thresholds required to predict the impact of this variant on IL10RB protein function. In summary, the available evidence is currently insufficient to determine the role of this variant in disease. Therefore, it has been classified as a Variant of Uncertain Significance.

NM_000628.5(IL10RB):c.795C>A (p.His265Gln)

Genes: IL10RB (interleukin 10 receptor subunit beta; plus strand), IFNAR2-IL10RB (IFNAR2-IL10RB readthrough; plus strand). Cytogenetic location: 21q22.11.
Variant type: single nucleotide variant.
Coding change: c.795C>A on transcript NM_000628.5 (MANE Select); coding-DNA position 795, C replaced by A.
Protein change: p.His265Gln; replaces histidine 265 with glutamine.
Molecular consequence: missense variant.
Genome position (GRCh38, 1-based): chr21:33,288,252, C>A. VCF-style: chr21-33288252-C-A. GRCh37 (hg19) VCF-style: chr21-34660557-C-A.
Other names: short protein forms H265Q.
Identifiers: ClinVar variation 651724 (VCV000651724.7), dbSNP rs373204116, ClinGen allele CA320150115.
Genomic context (GRCh38, chr21:33,288,252, plus strand): 5'-GTGGTGCGTTTACAAGAAGACAAAGTACGCCTTCTCCCCTAGGAATTCTCTTCCACAGCA[C>A]CTGAAAGAGGTAGGTAGGATGGAGTGAGATGTGGATTTGAAAACCTTGATCGGAAAGAGC-3'
Protein context (NP_000619.3, residues 255-275): AFSPRNSLPQ[His265Gln]LKEFLGHPHH